The following is an entry in ClinVar:

NM_020937.4(FANCM):c.3568C>T (p.Leu1190Phe)

Gene: FANCM (FA complementation group M; plus strand). Cytogenetic location: 14q21.2.
Variant type: single nucleotide variant.
Coding change: c.3568C>T on transcript NM_020937.4 (MANE Select); coding-DNA position 3568, C replaced by T.
Protein change: p.Leu1190Phe; replaces leucine 1190 with phenylalanine.
Molecular consequence: missense variant.
Genome position (GRCh38, 1-based): chr14:45,176,322, C>T. VCF-style: chr14-45176322-C-T. GRCh37 (hg19) VCF-style: chr14-45645525-C-T.
Other names: c.3490C>T, p.Leu1164Phe (NM_001308133.2); short protein forms L1164F, L1190F.
Identifiers: ClinVar variation 1314433 (VCV001314433.7), dbSNP rs367682848, ClinGen allele CA259628384.
Genomic context (GRCh38, chr14:45,176,322, plus strand): 5'-ACGCCTCTGGTCTCTCAGTTCTTAATTTCTGATGAACTTTTGTTGGACAATAATTCTGAA[C>T]TCCAAGATCAAATCACCCGTGATGCTAATAGTTTTAAATCTCGTGATCAGAGAGGTGTAC-3'
Protein context (NP_065988.1, residues 1180-1200): DELLLDNNSE[Leu1190Phe]QDQITRDANS

ClinVar aggregate classification (germline): Uncertain significance. Review status: criteria provided, multiple submitters, no conflicts (2 of 4 stars). 3 submissions from 3 submitters: Uncertain significance (3). Last evaluated 2025-01-25.

Conditions:
Fanconi anemia (FA). Also called: Fanconi's anemia. Identifiers: Orphanet 84, MedGen C0015625, MeSH D005199, MONDO:0019391.
Inborn genetic diseases. Identifiers: MedGen C0950123, MeSH D030342.

Allele frequency attached by ClinVar (database versions not stated): gnomAD exomes 0.00001; ESP Exome Variant Server 0.00008.
gnomAD v4.1: 3 of 1,613,940 alleles (0.00019%); highest among the groups gnomAD compares: Non-Finnish European, 0.00025%; no homozygotes.

Submissions (3):

Ambry Genetics
Classification: Uncertain significance for Inborn genetic diseases. Last evaluated: 2025-01-25. Review status: criteria provided, single submitter. Criteria: Ambry Variant Classification Scheme 2023. Collection method: clinical testing. Allele origin: germline.
Comment: The p.L1190F variant (also known as c.3568C>T), located in coding exon 14 of the FANCM gene, results from a C to T substitution at nucleotide position 3568. The leucine at codon 1190 is replaced by phenylalanine, an amino acid with highly similar properties. This amino acid position is conserved. In addition, this alteration is predicted to be tolerated by in silico analysis. Based on the available evidence, the clinical significance of this variant remains unclear.

GeneDx
Classification: Uncertain significance. Last evaluated: 2023-02-16. Review status: criteria provided, single submitter. Criteria: GeneDx Variant Classification Process June 2021. Collection method: clinical testing. Allele origin: germline. Affected: yes.
Comment: Not observed at significant frequency in large population cohorts (gnomAD); In silico analysis supports that this missense variant does not alter protein structure/function; Has not been previously published as pathogenic or benign to our knowledge

Labcorp Genetics (formerly Invitae), Labcorp
Classification: Uncertain significance for Fanconi anemia. Last evaluated: 2022-12-18. Review status: criteria provided, single submitter. Criteria: Invitae Variant Classification Sherloc (09022015). Collection method: clinical testing. Allele origin: germline.
Comment: In summary, the available evidence is currently insufficient to determine the role of this variant in disease. Therefore, it has been classified as a Variant of Uncertain Significance. Algorithms developed to predict the effect of missense changes on protein structure and function (SIFT, PolyPhen-2, Align-GVGD) all suggest that this variant is likely to be tolerated. ClinVar contains an entry for this variant (Variation ID: 1314433). This variant has not been reported in the literature in individuals affected with FANCM-related conditions. This variant is not present in population databases (gnomAD no frequency). This sequence change replaces leucine, which is neutral and non-polar, with phenylalanine, which is neutral and non-polar, at codon 1190 of the FANCM protein (p.Leu1190Phe).